The following is an entry in ClinVar:

ClinVar aggregate classification (germline): Likely pathogenic (1 of 4 stars; one submission).

Allele frequency attached by ClinVar (database versions not stated): TOPMed 0.00001.

Submission:

Labcorp Genetics (formerly Invitae), Labcorp
Classification: Likely pathogenic. Last evaluated: 2022-02-05. Review status: criteria provided, single submitter. Criteria: Invitae Variant Classification Sherloc (09022015). Collection method: clinical testing. Allele origin: germline.
Comment: In summary, the currently available evidence indicates that the variant is pathogenic, but additional data are needed to prove that conclusively. Therefore, this variant has been classified as Likely Pathogenic. Algorithms developed to predict the effect of sequence changes on RNA splicing suggest that this variant may disrupt the consensus splice site. ClinVar contains an entry for this variant (Variation ID: 955487). This variant has not been reported in the literature in individuals affected with TUBGCP6-related conditions. This variant is not present in population databases (gnomAD no frequency). This sequence change affects a donor splice site in intron 19 of the TUBGCP6 gene. It is expected to disrupt RNA splicing. Variants that disrupt the donor or acceptor splice site typically lead to a loss of protein function (PMID: 16199547), and loss-of-function variants in TUBGCP6 are known to be pathogenic (PMID: 25344692).

Literature cited by the submitters: PubMed 16199547; PubMed 25344692.

NM_020461.4(TUBGCP6):c.4484+1G>A

Gene: TUBGCP6 (tubulin gamma complex component 6; minus strand). Cytogenetic location: 22q13.33.
Variant type: single nucleotide variant.
Coding change: c.4484+1G>A on transcript NM_020461.4 (MANE Select); the canonical splice donor site of the intron after coding-DNA position 4484, G replaced by A.
Molecular consequence: splice donor variant.
Genome position (GRCh38, 1-based): chr22:50,219,287, C>T on the plus strand (G>A on the coding strand, the complement: TUBGCP6 is on the minus strand). VCF-style: chr22-50219287-C-T. GRCh37 (hg19) VCF-style: chr22-50657716-C-T.
Identifiers: ClinVar variation 955487 (VCV000955487.8), dbSNP rs1439849519, ClinGen allele CA412171029.